The following is an entry in ClinVar:

NM_024408.4(NOTCH2):c.3340G>A (p.Val1114Met)

Gene: NOTCH2 (notch receptor 2; minus strand). Cytogenetic location: 1p12.
Variant type: single nucleotide variant.
Coding change: c.3340G>A on transcript NM_024408.4 (MANE Select); coding-DNA position 3340, G replaced by A.
Protein change: p.Val1114Met; replaces valine 1114 with methionine.
Molecular consequence: missense variant.
Genome position (GRCh38, 1-based): chr1:119,937,464, C>T on the plus strand (G>A on the coding strand, the complement: NOTCH2 is on the minus strand). VCF-style: chr1-119937464-C-T. GRCh37 (hg19) VCF-style: chr1-120480087-C-T.
Other names: c.3340G>A, p.Val1114Met (NM_001200001.2); short protein forms V1114M.
Identifiers: ClinVar variation 3344170 (VCV003344170.1).
Genomic context (GRCh38, chr1:119,937,464, plus strand): 5'-AATGCGTGTTGCCAGCATTGATGCAGACACCTGAGTGCTGGCACAAGTGTTCAACAAGCA[C>T]ACCTGGGAAACCCAGTGAGGGAGAAATGTCATAGAAGAACATGTGACACATGGGGTTCAA-3'
Protein context (NP_077719.2, residues 1104-1124): SCDIAASRRG[Val1114Met]LVEHLCQHSG

ClinVar aggregate classification (germline): Uncertain significance (0 of 4 stars; one submission).

Conditions:
NOTCH2-related disorder. Also called: NOTCH2-related condition.

Submission:

PreventionGenetics, part of Exact Sciences
Classification: Uncertain significance for NOTCH2-related condition. Last evaluated: 2024-05-23. Review status: no assertion criteria provided. Collection method: clinical testing. Allele origin: germline.
Comment: The NOTCH2 c.3340G>A variant is predicted to result in the amino acid substitution p.Val1114Met. To our knowledge, this variant has not been reported in the literature or in a large population database, indicating this variant is rare. At this time, the clinical significance of this variant is uncertain due to the absence of conclusive functional and genetic evidence.